The following is an entry in ClinVar:

NM_002354.3(EPCAM):c.77-11T>A

Gene: EPCAM (epithelial cell adhesion molecule; plus strand). Cytogenetic location: 2p21.
Variant type: single nucleotide variant.
Coding change: c.77-11T>A on transcript NM_002354.3 (MANE Select); 11 bases into the intron before coding-DNA position 77, T replaced by A.
Molecular consequence: intron variant.
Genome position (GRCh38, 1-based): chr2:47,373,452, T>A. VCF-style: chr2-47373452-T-A. GRCh37 (hg19) VCF-style: chr2-47600591-T-A.
Other names: NC_000002.11:g.47600591T>A.
Identifiers: ClinVar variation 137214 (VCV000137214.22), dbSNP rs114241106, ClinGen allele CA290748.

ClinVar aggregate classification (germline): Benign/Likely benign. Review status: criteria provided, multiple submitters, no conflicts (2 of 4 stars). 8 submissions from 8 submitters: Benign (5); Likely benign (1). 2 of the submissions do not count toward it. Last evaluated 2026-09-01.

Conditions:
Hereditary cancer-predisposing syndrome. Also called: Neoplastic Syndromes, Hereditary; Tumor predisposition; Hereditary neoplastic syndrome; Hereditary Cancer Syndrome. Identifiers: Orphanet 140162, MedGen C0027672, MeSH D009386, MONDO:0015356.

Allele frequency attached by ClinVar (database versions not stated): 1000 Genomes Project 30x 0.00484; 1000 Genomes Project 0.00499; ESP Exome Variant Server 0.00623; gnomAD 0.00731 and 0.00733; TOPMed 0.00759; gnomAD exomes 0.00810; ExAC 0.01011.
gnomAD v4.1: 15,342 of 1,571,516 alleles (0.98%); highest among the groups gnomAD compares: Middle Eastern, 2.7%; 106 homozygotes.

Submissions (17):

CeGaT Center for Human Genetics Tuebingen
Classification: Benign. Last evaluated: 2026-09-01. Review status: criteria provided, single submitter. Criteria: CeGaT Center For Human Genetics Tuebingen Variant Classification Criteria Version 2. Collection method: clinical testing. Allele origin: germline. Affected: yes. Observed: 59 variant alleles.
Comment: EPCAM: BS1, BS2

Blueprint Genetics
Classification: Likely benign. Last evaluated: 2024-11-26. Review status: criteria provided, single submitter. Criteria: ACMG Guidelines, 2015. Collection method: clinical testing. Allele origin: germline.

PreventionGenetics, part of Exact Sciences
Classification: Benign. Last evaluated: 2016-10-03. Review status: criteria provided, single submitter. Criteria: ACMG Guidelines, 2015. Collection method: clinical testing. Allele origin: germline.

Vantari Genetics
Classification: Benign for Hereditary cancer-predisposing syndrome. Last evaluated: 2015-12-21. Review status: criteria provided, single submitter. Criteria: ACMG Guidelines, 2015. Collection method: clinical testing. Allele origin: germline.

GeneDx
Classification: Benign. Last evaluated: 2013-12-12. Review status: criteria provided, single submitter. Criteria: GeneDx Variant Classification (06012015). Collection method: clinical testing. Allele origin: germline. Affected: yes.
Comment: This variant is considered likely benign or benign based on one or more of the following criteria: it is a conservative change, it occurs at a poorly conserved position in the protein, it is predicted to be benign by multiple in silico algorithms, and/or has population frequency not consistent with disease.

Breakthrough Genomics
Classification: Benign. Review status: criteria provided, single submitter. Criteria: ACMG Guidelines, 2015. Collection method: not provided. Allele origin: germline. Inheritance: Autosomal recessive inheritance. Affected: yes.

Clinical Genetics Laboratory, Department of Pathology, Netherlands Cancer Institute
Classification: Benign. Review status: no assertion criteria provided. Collection method: clinical testing. Allele origin: germline. Affected: yes. Study: VKGL Data-share Consensus. Not counted in ClinVar's aggregate classification.

Dr. Peter K. Rogan Lab, Western University
No classification provided (evidence only). Condition: Cervical cancer. Review status: no classification provided. Collection method: in vitro. Allele origin: not applicable. Functional consequence: retained intron. Not counted in ClinVar's aggregate classification.

Dr. Peter K. Rogan Lab, Western University
No classification provided (evidence only). Condition: Cervical cancer. Review status: no classification provided. Collection method: in vitro. Allele origin: not applicable. Functional consequence: retained intron. Not counted in ClinVar's aggregate classification.

Dr. Peter K. Rogan Lab, Western University
No classification provided (evidence only). Condition: Ovarian serous cystadenocarcinoma. Review status: no classification provided. Collection method: in vitro. Allele origin: not applicable. Functional consequence: retained intron. Not counted in ClinVar's aggregate classification.

Dr. Peter K. Rogan Lab, Western University
No classification provided (evidence only). Condition: Ovarian serous cystadenocarcinoma. Review status: no classification provided. Collection method: in vitro. Allele origin: not applicable. Functional consequence: retained intron. Not counted in ClinVar's aggregate classification.

Dr. Peter K. Rogan Lab, Western University
No classification provided (evidence only). Condition: Ovarian serous cystadenocarcinoma. Review status: no classification provided. Collection method: in vitro. Allele origin: not applicable. Functional consequence: retained intron. Not counted in ClinVar's aggregate classification.

Dr. Peter K. Rogan Lab, Western University
No classification provided (evidence only). Condition: Ovarian serous cystadenocarcinoma. Review status: no classification provided. Collection method: in vitro. Allele origin: not applicable. Functional consequence: retained intron. Not counted in ClinVar's aggregate classification.

Dr. Peter K. Rogan Lab, Western University
No classification provided (evidence only). Condition: Gastric cancer. Review status: no classification provided. Collection method: in vitro. Allele origin: not applicable. Functional consequence: retained intron. Not counted in ClinVar's aggregate classification.

Dr. Peter K. Rogan Lab, Western University
No classification provided (evidence only). Condition: Familial pancreatic carcinoma. Review status: no classification provided. Collection method: in vitro. Allele origin: not applicable. Functional consequence: retained intron. Not counted in ClinVar's aggregate classification.

Dr. Peter K. Rogan Lab, Western University
No classification provided (evidence only). Condition: Lymphoma. Review status: no classification provided. Collection method: in vitro. Allele origin: not applicable. Functional consequence: retained intron. Not counted in ClinVar's aggregate classification.

Genome Diagnostics Laboratory, Amsterdam University Medical Center
Classification: Benign. Review status: no assertion criteria provided. Collection method: clinical testing. Allele origin: germline. Affected: yes. Study: VKGL Data-share Consensus. Not counted in ClinVar's aggregate classification.